The following is an entry in ClinVar:

NM_001079866.2(BCS1L):c.670C>T (p.Arg224Cys)

Gene: BCS1L (BCS1 homolog, ubiquinol-cytochrome c reductase complex chaperone; plus strand). Cytogenetic location: 2q35.
Variant type: single nucleotide variant.
Coding change: c.670C>T on transcript NM_001079866.2 (MANE Select); coding-DNA position 670, C replaced by T.
Protein change: p.Arg224Cys; replaces arginine 224 with cysteine.
Molecular consequence: missense variant. On other transcripts: non-coding transcript variant (1).
Genome position (GRCh38, 1-based): chr2:218,662,211, C>T. VCF-style: chr2-218662211-C-T. GRCh37 (hg19) VCF-style: chr2-219526934-C-T.
Other names: c.670C>T, p.Arg224Cys (NM_001257342.2, NM_001257343.2, NM_001257344.2 and 10 more transcripts); c.310C>T, p.Arg104Cys (NM_001318836.2, NM_001371451.1); c.169C>T, p.Arg57Cys (NM_001371452.1, NM_001371453.1, NM_001371454.1 and 3 more transcripts); short protein forms R104C, R224C, R57C.
Identifiers: ClinVar variation 2177843 (VCV002177843.1), dbSNP rs1397887317, ClinGen allele CA350627929.

ClinVar aggregate classification (germline): Uncertain significance (1 of 4 stars; one submission).

Allele frequency attached by ClinVar (database versions not stated): TOPMed below 0.00001; gnomAD 0.00001; gnomAD exomes 0.00001.

Submission:

Labcorp Genetics (formerly Invitae), Labcorp
Classification: Uncertain significance. Last evaluated: 2022-01-15. Review status: criteria provided, single submitter. Criteria: Invitae Variant Classification Sherloc (09022015). Collection method: clinical testing. Allele origin: germline.
Comment: This sequence change replaces arginine, which is basic and polar, with cysteine, which is neutral and slightly polar, at codon 224 of the BCS1L protein (p.Arg224Cys). This variant is present in population databases (no rsID available, gnomAD 0.0009%). This variant has not been reported in the literature in individuals affected with BCS1L-related conditions. Advanced modeling of protein sequence and biophysical properties (such as structural, functional, and spatial information, amino acid conservation, physicochemical variation, residue mobility, and thermodynamic stability) performed at Invitae indicates that this missense variant is expected to disrupt BCS1L protein function. In summary, the available evidence is currently insufficient to determine the role of this variant in disease. Therefore, it has been classified as a Variant of Uncertain Significance.